The following is an entry in ClinVar:

ClinVar aggregate classification (germline): Likely pathogenic. Review status: criteria provided, multiple submitters, no conflicts (2 of 4 stars). 2 submissions from 2 submitters: Likely pathogenic (2). Last evaluated 2023-11-09.

Conditions:
Tyrosinemia type I (TYRSN1). Also called: FAH DEFICIENCY; Tyrosinemia type 1; Fumarylacetoacetase deficiency; Deficiency of fumarylacetoacetase; HEPATORENAL TYROSINEMIA. Identifiers: Orphanet 882, MedGen C0268490, MONDO:0010161, OMIM 276700. Disease mechanism: loss of function.

Allele frequency attached by ClinVar (database versions not stated): gnomAD exomes below 0.00001; TOPMed below 0.00001.
gnomAD v4.1: 1 of 1,613,446 alleles (0.000062%); highest among the groups gnomAD compares: South Asian, 0.0011%; no homozygotes.

Submissions (2):

Baylor Genetics
Classification: Likely pathogenic for Tyrosinemia type I. Last evaluated: 2023-11-09. Review status: criteria provided, single submitter. Criteria: ACMG Guidelines, 2015. Collection method: clinical testing. Allele origin: unknown.

Labcorp Genetics (formerly Invitae), Labcorp
Classification: Likely pathogenic for Tyrosinemia type I. Last evaluated: 2023-05-23. Review status: criteria provided, single submitter. Criteria: Invitae Variant Classification Sherloc (09022015). Collection method: clinical testing. Allele origin: germline.
Comment: ClinVar contains an entry for this variant (Variation ID: 1974391). In summary, the currently available evidence indicates that the variant is pathogenic, but additional data are needed to prove that conclusively. Therefore, this variant has been classified as Likely Pathogenic. Algorithms developed to predict the effect of sequence changes on RNA splicing suggest that this variant may disrupt the consensus splice site. This variant has not been reported in the literature in individuals affected with FAH-related conditions. This variant is not present in population databases (gnomAD no frequency). This sequence change affects an acceptor splice site in intron 4 of the FAH gene. It is expected to disrupt RNA splicing. Variants that disrupt the donor or acceptor splice site typically lead to a loss of protein function (PMID: 16199547), and loss-of-function variants in FAH are known to be pathogenic (PMID: 9101289, 9633815).

Literature cited by the submitters: PubMed 16199547 (cited by Labcorp Genetics (formerly Invitae), Labcorp); PubMed 9101289 (cited by Labcorp Genetics (formerly Invitae), Labcorp); PubMed 9633815 (cited by Labcorp Genetics (formerly Invitae), Labcorp).

NM_000137.4(FAH):c.365-2A>G

Gene: FAH (fumarylacetoacetate hydrolase; plus strand). Cytogenetic location: 15q25.1.
Variant type: single nucleotide variant.
Coding change: c.365-2A>G on transcript NM_000137.4 (MANE Select); the canonical splice acceptor site of the intron before coding-DNA position 365, A replaced by G.
Molecular consequence: splice acceptor variant.
Genome position (GRCh38, 1-based): chr15:80,162,244, A>G. VCF-style: chr15-80162244-A-G. GRCh37 (hg19) VCF-style: chr15-80454586-A-G.
Other names: c.365-2A>G (NM_001374377.1, NM_001374380.1).
Identifiers: ClinVar variation 1974391 (VCV001974391.6), dbSNP rs2041155203, ClinGen allele CA393619302.